The following is an entry in ClinVar:

NM_001267550.2(TTN):c.79244G>A (p.Gly26415Glu)

Genes: TTN-AS1 (TTN antisense RNA 1; plus strand), TTN (titin; minus strand). Cytogenetic location: 2q31.2.
Variant type: single nucleotide variant.
Coding change: c.79244G>A on transcript NM_001267550.2 (MANE Select); coding-DNA position 79244, G replaced by A.
Protein change: p.Gly26415Glu; replaces glycine 26415 with glutamic acid.
Molecular consequence: missense variant.
Genome position (GRCh38, 1-based): chr2:178,566,888, C>T on the plus strand (G>A on the coding strand, the complement: TTN is on the minus strand). VCF-style: chr2-178566888-C-T. GRCh37 (hg19) VCF-style: chr2-179431615-C-T.
Other names: c.74321G>A, p.Gly24774Glu (NM_001256850.1); c.52049G>A, p.Gly17350Glu (NM_003319.4); c.71540G>A, p.Gly23847Glu (NM_133378.4); c.52424G>A, p.Gly17475Glu (NM_133432.3); c.52625G>A, p.Gly17542Glu (NM_133437.4); short protein forms G17350E, G17475E, G17542E, G23847E, G24774E, G26415E.
Identifiers: ClinVar variation 4689490 (VCV004689490.1).

ClinVar aggregate classification (germline): Uncertain significance (1 of 4 stars; one submission).

Submission:

Women's Health and Genetics/Laboratory Corporation of America, LabCorp
Classification: Uncertain significance. Last evaluated: 2026-01-12. Review status: criteria provided, single submitter. Criteria: LabCorp Variant Classification Summary - May 2015. Collection method: clinical testing. Allele origin: germline.
Comment: Variant summary: TTN c.71540G>A (p.Gly23847Glu) results in a non-conservative amino acid change in the encoded protein sequence. Algorithms developed to predict the effect of missense changes on protein structure and function all suggest that this variant is likely to be disruptive. The variant was absent in 248110 control chromosomes. The available data on variant occurrences in the general population are insufficient to allow any conclusion about variant significance. To our knowledge, no occurrence of c.71540G>A in individuals affected with TTN-related conditions and no experimental evidence demonstrating its impact on protein function have been reported. The following publication has been ascertained in the context of this evaluation (PMID: 26950094). No submitters have cited clinical-significance assessments for this variant to ClinVar. Based on the evidence outlined above, the variant was classified as uncertain significance.

Literature cited by the submitters: PubMed 26950094.